The following is an entry in ClinVar:

ClinVar aggregate classification (germline): Pathogenic. Review status: criteria provided, multiple submitters, no conflicts (2 of 4 stars). 5 submissions from 5 submitters: Pathogenic (3). 2 of the submissions do not count toward it. Last evaluated 2025-06-26.

Conditions:
Sphingomyelin/cholesterol lipidosis. Also called: Niemann-Pick disease. Identifiers: MedGen C0028064, MONDO:0001982.
Niemann-Pick disease, type A. Also called: SPHINGOMYELIN LIPIDOSIS; SPHINGOMYELINASE DEFICIENCY; Infantile Neurovisceral ASMD (Niemann-Pick Disease Type A; NPD-A). Identifiers: Orphanet 77292, MedGen C0268242, MONDO:0009756, OMIM 257200. Disease mechanism: loss of function.
Niemann-Pick disease, type B. Also called: Chronic Visceral ASMD (Niemann-Pick Disease Type B; NPD-B). Identifiers: Orphanet 77293, MedGen C0268243, MONDO:0011871, OMIM 607616. Disease mechanism: loss of function.
Acid sphingomyelinase deficiency. Identifiers: Orphanet 618899, MedGen C5243927, MONDO:0100464.

Submissions (5):

Rady Children's Institute for Genomic Medicine, Rady Children's Hospital San Diego
Classification: Pathogenic for Acid sphingomyelinase deficiency. Last evaluated: 2025-06-26. Review status: criteria provided, single submitter. Criteria: ACMG Guidelines, 2015. Collection method: clinical testing. Allele origin: germline. Affected: yes.
Comment: This frameshifting variant in exon 1 of 6 is predicted to result in loss of normal protein function through either protein truncation or nonsense-mediated mRNA decay. Loss-of-function variation in SMPD1 is an established mechanism of disease in acid sphingomyelinase deficiency (PMID: 27338287). This variant has been previously reported as a compound heterozygous or homozygous change in patients with Niemann-Pick disease (PMID: 27338287). The c.193del (p.Ser65LeufsTer12) variant is present in the latest version of the gnomAD population database at an allele frequency of 0.0001% (2/1614098), and is absent in the homozygous state, thus is presumed to be rare. Based on the available evidence, c.193del (p.Ser65LeufsTer12) is classified as Pathogenic.

Labcorp Genetics (formerly Invitae), Labcorp
Classification: Pathogenic for Niemann-Pick disease, type B; Niemann-Pick disease, type A. Last evaluated: 2022-06-06. Review status: criteria provided, single submitter. Criteria: Invitae Variant Classification Sherloc (09022015). Collection method: clinical testing. Allele origin: germline.
Comment: For these reasons, this variant has been classified as Pathogenic. Algorithms developed to predict the effect of sequence changes on RNA splicing suggest that this variant may disrupt the consensus splice site. ClinVar contains an entry for this variant (Variation ID: 371218). This premature translational stop signal has been observed in individual(s) with Niemann-Pick disease (PMID: 27338287). This variant is present in population databases (no rsID available, gnomAD 0.003%). This sequence change creates a premature translational stop signal (p.Ser65Leufs*12) in the SMPD1 gene. It is expected to result in an absent or disrupted protein product. Loss-of-function variants in SMPD1 are known to be pathogenic (PMID: 12369017, 15221801).

Broad Center for Mendelian Genomics, Broad Institute of MIT and Harvard
Classification: Pathogenic for Sphingomyelin/cholesterol lipidosis. Last evaluated: 2020-01-22. Review status: criteria provided, single submitter. Criteria: ACMG Guidelines, 2015. Collection method: curation. Allele origin: germline. Inheritance: Autosomal recessive inheritance.
Comment: Although this variant has been seen in the general population, its frequency is low enough to be consistent with a recessive carrier frequency. This variant has also been reported in ClinVar (VariationID: 371218) as likely pathogenic by Counsyl. This variant is predicted to cause a frameshift, which alters the protein's amino acid sequence beginning at position 65 and leads to a premature termination codon 12 amino acids downstream. This alteration is then predicted to lead to a truncated or absent protein. Loss of function of the SMPD gene is an established disease mechanism in autosomal recessive Niemann-Pick disease. The phenotype of an individual compound heterozygous for this variant is highly specific for Niemann-Pick disese based on acid sphingomyelinase activity being <10% of normal, consistent with disease (PMID: 27338287). In summary, this variant meets criteria to be classified as pathogenic for Niemann-Pick disease in an autosomal recessive manner based on the prediction that it causes loss of function, the phenotype of an individual with the variant being highly specific for disease, and its low frequency of the general population. ACMG/AMP Criteria applied: PVS1, PM2, PP4 (Richards 2015).

Counsyl
Classification: Likely pathogenic for Niemann-Pick disease, type A. Last evaluated: 2016-07-29. Review status: no assertion criteria provided. Collection method: clinical testing. Allele origin: unknown. Not counted in ClinVar's aggregate classification.

Hong-Tao Li Lab, Institute of Brain Science and Brain-inspired Research, Shandong First Medical University & Shandong Academy of Medical Sciences China
Classification: Likely pathogenic for Niemann-Pick disease, type A. Review status: no assertion criteria provided. Collection method: research. Allele origin: germline. Inheritance: Autosomal recessive inheritance. Affected: yes. Observed: 1 variant allele, 1 homozygote. Not counted in ClinVar's aggregate classification.
Comment: Observed in affected individuals from a Pakistani neurodevelopmental-disorder research cohort of 263 individuals. Classification assigned using the ACMG/AMP framework. Population-frequency evidence: gnomAD AF 3.979e-06.

Literature cited by the submitters: PubMed 27338287 (cited by 3 submitters); PubMed 12369017 (cited by Labcorp Genetics (formerly Invitae), Labcorp); PubMed 15221801 (cited by Labcorp Genetics (formerly Invitae), Labcorp).

NM_000543.5(SMPD1):c.193del (p.Ser65fs)

Gene: SMPD1 (sphingomyelin phosphodiesterase 1; plus strand). Cytogenetic location: 11p15.4.
Variant type: Deletion.
Coding change: c.193del on transcript NM_000543.5 (MANE Select); coding-DNA position 193, one base deleted (T; older notation c.193delT).
Protein change: p.Ser65fs; shifts the reading frame from serine 65.
Molecular consequence: frameshift variant. On other transcripts: 5 prime UTR variant (1), non-coding transcript variant (2).
Genome position (GRCh38, 1-based): chr11:6,390,791, T deleted; the last of 3 consecutive T bases (chr11:6,390,789-6,390,791); deleting any one gives the same sequence. VCF-style (leftmost placement, unchanged base first): chr11-6390788-CT-C. GRCh37 (hg19) VCF-style: chr11-6412018-CT-C.
Other names: c.193del, p.Ser65fs (NM_001007593.3, NM_001318087.2, NM_001365135.2); c.-769del (NM_001318088.2); short protein forms S65fs.
Identifiers: ClinVar variation 371218 (VCV000371218.12), dbSNP rs1057517098, ClinGen allele CA16041475.
Genomic context (GRCh38, chr11:6,390,788, plus strand): 5'-GCGCTGGCGCTGGCTCTGTCTGACTCTCGGGTTCTCTGGGCTCCGGCAGAGGCTCACCCT[CT>C]TTCTCCCCAAGGCCATCCTGCCAGGTTACATCGCATAGTGCCCCGGCTCCGAGATGTCTT-3'